The following is an entry in ClinVar:

NM_001130823.3(DNMT1):c.885C>T (p.Asp295=)

Gene: DNMT1 (DNA methyltransferase 1; minus strand). Cytogenetic location: 19p13.2.
Variant type: single nucleotide variant.
Coding change: c.885C>T on transcript NM_001130823.3 (MANE Select); coding-DNA position 885, C replaced by T.
Protein change: p.Asp295=; no amino-acid change (aspartic acid 295 retained).
Molecular consequence: synonymous variant.
Genome position (GRCh38, 1-based): chr19:10,166,604, G>A on the plus strand (C>T on the coding strand, the complement: DNMT1 is on the minus strand). VCF-style: chr19-10166604-G-A. GRCh37 (hg19) VCF-style: chr19-10277280-G-A.
Other names: c.837C>T, p.Asp279= (NM_001318730.2, NM_001379.4); c.522C>T, p.Asp174= (NM_001318731.2).
Identifiers: ClinVar variation 773955 (VCV000773955.12), dbSNP rs767084989, ClinGen allele CA9188553.
Genomic context (GRCh38, chr19:10,166,604, plus strand): 5'-CAAACAGGAGCAGAAGAATGAGGGGGAGTTCAGAAACAAATAACCCGCCTTTACTTTCTC[G>A]TCTCCATCTTCGTCCTCGTCAGCCTGCACGCCTGCCCTGGCTTCTCTGTCCGGCTCCTCC-3'
Protein context (NP_001124295.1, residues 285-305): GVQADEDEDG[Asp295=]EKDEKKHRSQ

ClinVar aggregate classification (germline): Benign/Likely benign. Review status: criteria provided, multiple submitters, no conflicts (2 of 4 stars). 3 submissions from 3 submitters: Benign (1); Likely benign (2). Last evaluated 2025-07-15.

Conditions:
Hereditary sensory neuropathy-deafness-dementia syndrome. Also called: Hereditary Sensory and Autonomic Neuropathy Type 1E (HSAN1E); HSN IE; Hereditary sensory neuropathy type IE; NEUROPATHY, HEREDITARY SENSORY, WITH HEARING LOSS AND DEMENTIA. Identifiers: Orphanet 456318, MedGen C3279885, MONDO:0013584, OMIM 614116.

Allele frequency attached by ClinVar (database versions not stated): ExAC 0.00003; gnomAD exomes 0.00003 and 0.00004; gnomAD 0.00004; TOPMed 0.00006.
gnomAD v4.1: 51 of 1,614,016 alleles (0.0032%); highest among the groups gnomAD compares: East Asian, 0.013%; no homozygotes.

Submissions (3):

Women's Health and Genetics/Laboratory Corporation of America, LabCorp
Classification: Benign. Last evaluated: 2025-07-15. Review status: criteria provided, single submitter. Criteria: LabCorp Variant Classification Summary - May 2015. Collection method: clinical testing. Allele origin: germline.

Labcorp Genetics (formerly Invitae), Labcorp
Classification: Likely benign for Hereditary sensory neuropathy-deafness-dementia syndrome. Last evaluated: 2022-07-02. Review status: criteria provided, single submitter. Criteria: Invitae Variant Classification Sherloc (09022015). Collection method: clinical testing. Allele origin: germline.

GeneDx
Classification: Likely benign. Last evaluated: 2019-01-11. Review status: criteria provided, single submitter. Criteria: GeneDx Variant Classification Process June 2021. Collection method: clinical testing. Allele origin: germline. Affected: yes.
Comment: See Variant Classification Assertion Criteria.